The following is an entry in ClinVar:

NM_001002295.2(GATA3):c.826C>T (p.Arg276Trp)

Gene: GATA3 (GATA binding protein 3; plus strand). Cytogenetic location: 10p14.
Variant type: single nucleotide variant.
Coding change: c.826C>T on transcript NM_001002295.2 (MANE Select); coding-DNA position 826, C replaced by T.
Protein change: p.Arg276Trp; replaces arginine 276 with tryptophan.
Molecular consequence: missense variant.
Genome position (GRCh38, 1-based): chr10:8,064,040, C>T. VCF-style: chr10-8064040-C-T. GRCh37 (hg19) VCF-style: chr10-8106003-C-T.
Other names: c.823C>T, p.Arg275Trp (NM_002051.3); short protein forms R275W, R276W.
Identifiers: ClinVar variation 1220038 (VCV001220038.4), dbSNP rs2131500581, ClinGen allele CA375973471.

ClinVar aggregate classification (germline): Likely pathogenic (1 of 4 stars; one submission).

Conditions:
GATA3-related disorder. Also called: GATA3-related condition.

Submission:

GeneDx
Classification: Likely pathogenic. Last evaluated: 2020-10-28. Review status: criteria provided, single submitter. Criteria: GeneDx Variant Classification Process June 2021. Collection method: clinical testing. Allele origin: germline. Affected: yes.
Comment: Not observed in large population cohorts (Lek et al., 2016); In silico analysis supports that this missense variant has a deleterious effect on protein structure/function; Has not been previously published as pathogenic or benign to our knowledge